The following is an entry in ClinVar:

NM_205861.3(DHDDS):c.658-6T>A

Gene: DHDDS (dehydrodolichyl diphosphate synthase subunit; plus strand). Cytogenetic location: 1p36.11.
Variant type: single nucleotide variant.
Coding change: c.658-6T>A on transcript NM_205861.3 (MANE Select); 6 bases into the intron before coding-DNA position 658, T replaced by A.
Molecular consequence: intron variant.
Genome position (GRCh38, 1-based): chr1:26,460,031, T>A. VCF-style: chr1-26460031-T-A. GRCh37 (hg19) VCF-style: chr1-26786522-T-A.
Other names: c.379-6T>A (NM_001319959.2); c.658-6T>A (NM_024887.4); c.556-6T>A (NM_001243564.2); c.541-6T>A (NM_001243565.2).
Identifiers: ClinVar variation 3234602 (VCV003234602.20), dbSNP rs2075406665, ClinGen allele CA999813880.

ClinVar aggregate classification (germline): Likely benign (1 of 4 stars; one submission).

Allele frequency attached by ClinVar (database versions not stated): gnomAD 0.00001.
gnomAD v4.1: 1 of 1,612,184 alleles (0.000062%); highest among the groups gnomAD compares: Non-Finnish European, 0.000085%; no homozygotes.

Submission:

CeGaT Center for Human Genetics Tuebingen
Classification: Likely benign. Last evaluated: 2024-04-01. Review status: criteria provided, single submitter. Criteria: CeGaT Center For Human Genetics Tuebingen Variant Classification Criteria Version 2. Collection method: clinical testing. Allele origin: germline. Affected: yes. Observed: 1 variant allele.
Comment: DHDDS: BP4